The following is an entry in ClinVar:

NM_145068.4(TRPV3):c.*2014A>T

Genes: SPATA22 (spermatogenesis associated 22; minus strand), TRPV3 (transient receptor potential cation channel subfamily V member 3; minus strand). Cytogenetic location: 17p13.2.
Variant type: single nucleotide variant.
Coding change: c.*2014A>T on transcript NM_145068.4 (MANE Select); 2014 bases downstream of the stop codon, A replaced by T.
Molecular consequence: 3 prime UTR variant. On other transcripts: intron variant (2).
Genome position (GRCh38, 1-based): chr17:3,511,903, T>A on the plus strand (A>T on the coding strand, the complement: TRPV3 is on the minus strand). VCF-style: chr17-3511903-T-A. GRCh37 (hg19) VCF-style: chr17-3415197-T-A.
Other names: c.*2014A>T (NM_001258205.2); c.-74+1509A>T (NM_001321336.2, NM_001321337.2).
Identifiers: ClinVar variation 322707 (VCV000322707.7), dbSNP rs79031278, ClinGen allele CA10639392.

ClinVar aggregate classification (germline): Benign (1 of 4 stars; one submission).

Conditions:
Isolated focal non-epidermolytic palmoplantar keratoderma. Also called: Palmoplantar keratoderma, nonepidermolytic, focal 2. Identifiers: Orphanet 448264, MedGen C4225339, MONDO:0014622, OMIM 616400.

Allele frequency attached by ClinVar (database versions not stated): gnomAD 0.00755 and 0.00710; TOPMed 0.00799; 1000 Genomes Project 0.00958; 1000 Genomes Project 30x 0.00999.

Submission:

Illumina Laboratory Services, Illumina
Classification: Benign for Isolated focal non-epidermolytic palmoplantar keratoderma. Last evaluated: 2018-01-13. Review status: criteria provided, single submitter. Criteria: ICSL Variant Classification Criteria 13 December 2019. Collection method: clinical testing. Allele origin: germline.
Comment: This variant was observed in the ICSL laboratory as part of a predisposition screen in an ostensibly healthy population. It had not been previously curated by ICSL or reported in the Human Gene Mutation Database (HGMD: prior to June 1st, 2018), and was therefore a candidate for classification through an automated scoring system. Utilizing variant allele frequency, disease prevalence and penetrance estimates, and inheritance mode, an automated score was calculated to assess if this variant is too frequent to cause the disease. Based on the score and internal cut-off values, a variant classified as benign is not then subjected to further curation. The score for this variant resulted in a classification of benign for this disease.